The following is an entry in ClinVar:

NM_001904.4(CTNNB1):c.2285T>C (p.Leu762Pro)

Gene: CTNNB1 (catenin beta 1; plus strand). Cytogenetic location: 3p22.1.
Variant type: single nucleotide variant.
Coding change: c.2285T>C on transcript NM_001904.4 (MANE Select); coding-DNA position 2285, T replaced by C.
Protein change: p.Leu762Pro; replaces leucine 762 with proline.
Molecular consequence: missense variant.
Genome position (GRCh38, 1-based): chr3:41,239,281, T>C. VCF-style: chr3-41239281-T-C. GRCh37 (hg19) VCF-style: chr3-41280772-T-C.
Other names: c.2285T>C, p.Leu762Pro (NM_001098209.2, NM_001098210.2); c.2264T>C, p.Leu755Pro (NM_001330729.2); short protein forms L755P, L762P.
Identifiers: ClinVar variation 1704051 (VCV001704051.7), dbSNP rs2078516745, ClinGen allele CA352237577.

ClinVar aggregate classification (germline): Uncertain significance. Review status: criteria provided, multiple submitters, no conflicts (2 of 4 stars). 2 submissions from 2 submitters: Uncertain significance (2). Last evaluated 2022-08-30.

Allele frequency attached by ClinVar (database versions not stated): TOPMed 0.00001.

Submissions (2):

GeneDx
Classification: Uncertain significance. Last evaluated: 2022-08-30. Review status: criteria provided, single submitter. Criteria: GeneDx Variant Classification Process June 2021. Collection method: clinical testing. Allele origin: germline. Affected: yes.
Comment: Not observed at significant frequency in large population cohorts (gnomAD); In silico analysis supports that this missense variant does not alter protein structure/function; Has not been previously published as pathogenic or benign in association with neurodevelopmental disorders to our knowledge; This variant is associated with the following publications: (PMID: 32238882)

Labcorp Genetics (formerly Invitae), Labcorp
Classification: Uncertain significance. Last evaluated: 2022-07-30. Review status: criteria provided, single submitter. Criteria: Invitae Variant Classification Sherloc (09022015). Collection method: clinical testing. Allele origin: germline.
Comment: In summary, the available evidence is currently insufficient to determine the role of this variant in disease. Therefore, it has been classified as a Variant of Uncertain Significance. Algorithms developed to predict the effect of missense changes on protein structure and function are either unavailable or do not agree on the potential impact of this missense change (SIFT: "Deleterious"; PolyPhen-2: "Benign"; Align-GVGD: "Class C0"). This variant has not been reported in the literature in individuals affected with CTNNB1-related conditions. This variant is not present in population databases (gnomAD no frequency). This sequence change replaces leucine, which is neutral and non-polar, with proline, which is neutral and non-polar, at codon 762 of the CTNNB1 protein (p.Leu762Pro).